The following is an entry in ClinVar:

NM_007294.4(BRCA1):c.799T>C (p.Ser267Pro)

Gene: BRCA1 (BRCA1 DNA repair associated; minus strand). Cytogenetic location: 17q21.31.
Variant type: single nucleotide variant.
Coding change: c.799T>C on transcript NM_007294.4 (MANE Select); coding-DNA position 799, T replaced by C.
Protein change: p.Ser267Pro; replaces serine 267 with proline.
Molecular consequence: missense variant. On other transcripts: 5 prime UTR variant (2), intron variant (137).
Genome position (GRCh38, 1-based): chr17:43,094,732, A>G on the plus strand (T>C on the coding strand, the complement: BRCA1 is on the minus strand). VCF-style: chr17-43094732-A-G. GRCh37 (hg19) VCF-style: chr17-41246749-A-G.
Other names: c.799T>C, p.Ser267Pro (NM_001407583.1, NM_001407585.1, NM_001407593.1 and 30 more transcripts); c.796T>C, p.Ser266Pro (NM_001407587.1, NM_001407590.1, NM_001407591.1 and 22 more transcripts); c.721T>C, p.Ser241Pro (NM_001407657.1, NM_001407658.1, NM_001407663.1 and 4 more transcripts); c.718T>C, p.Ser240Pro (NM_001407659.1, NM_001407660.1, NM_001407661.1 and 1 more transcripts); c.676T>C, p.Ser226Pro (NM_001407664.1, NM_001407665.1, NM_001407676.1 and 19 more transcripts); c.658T>C, p.Ser220Pro (NM_001407696.1, NM_001407697.1, NM_001407942.1 and 29 more transcripts); c.535T>C, p.Ser179Pro (NM_001407927.1, NM_001407928.1, NM_001407929.1 and 9 more transcripts); c.532T>C, p.Ser178Pro (NM_001407930.1, NM_001407931.1, NM_001407932.1 and 2 more transcripts); and 40 more; short protein forms S267P, S220P, S139P, S155P, S179P, S226P, S240P, S241P.
Identifiers: ClinVar variation 141103 (VCV000141103.23), dbSNP rs587781496, ClinGen allele CA003882.
Genomic context (GRCh38, chr17:43,094,732, plus strand): 5'-TCTCATGCTGTAATGAGCTGGCATGAGTATTTGTGCCACATGGCTCCACATGCAAGTTTG[A>G]AACAGAACTACCCTGATACTTTTCTGGATGCCTCTCAGCTGCACGCTTCTCAGTGGTGTT-3'
Protein context (NP_009225.1, residues 257-277): HPEKYQGSSV[Ser267Pro]NLHVEPCGTN

ClinVar aggregate classification (germline): Conflicting classifications of pathogenicity. Review status: criteria provided, conflicting classifications (1 of 4 stars). 7 submissions from 7 submitters: Uncertain significance (5); Benign (1); Likely benign (1). Last evaluated 2025-10-13.

Conditions:
BRCA1-related cancer predisposition. Identifiers: MedGen CN377757, MONDO:0700268.
Hereditary cancer-predisposing syndrome. Also called: Tumor predisposition; Hereditary neoplastic syndrome; Hereditary Cancer Syndrome; Neoplastic Syndromes, Hereditary. Identifiers: Orphanet 140162, MedGen C0027672, MeSH D009386, MONDO:0015356.
Hereditary breast ovarian cancer syndrome. Also called: Hereditary breast and/or ovarian cancer syndrome; Breast and ovarian cancer; Hereditary breast and ovarian cancer syndrome; Hereditary breast and ovarian cancer; Hereditary breast and ovarian cancer syndrome (HBOC); BRCA1- and BRCA2-Associated Hereditary Breast and Ovarian Cancer. Identifiers: Orphanet 145, MedGen C0677776, MeSH D061325, MONDO:0003582. Disease mechanism: loss of function.
Breast-ovarian cancer, familial, susceptibility to, 1 (BROVCA1). Also called: BRCA1 Hereditary Breast and Ovarian Cancer; OVARIAN CANCER, SUSCEPTIBILITY TO. Identifiers: Orphanet 145, MedGen C2676676, MONDO:0011450, OMIM 604370. Disease mechanism: loss of function.

Allele frequency attached by ClinVar (database versions not stated): gnomAD exomes 0.00001; ExAC 0.00002.
gnomAD v4.1: 4 of 1,611,582 alleles (0.00025%); highest among the groups gnomAD compares: South Asian, 0.0033%; no homozygotes.

Submissions (7):

Labcorp Genetics (formerly Invitae), Labcorp
Classification: Uncertain significance for Hereditary breast ovarian cancer syndrome. Last evaluated: 2025-10-13. Review status: criteria provided, single submitter. Criteria: Invitae Variant Classification Sherloc (09022015). Collection method: clinical testing. Allele origin: germline.
Comment: This sequence change replaces serine, which is neutral and polar, with proline, which is neutral and non-polar, at codon 267 of the BRCA1 protein (p.Ser267Pro). This variant is present in population databases (rs587781496, gnomAD 0.007%). This variant has not been reported in the literature in individuals affected with BRCA1-related conditions. ClinVar contains an entry for this variant (Variation ID: 141103). Invitae Evidence Modeling of protein sequence and biophysical properties (such as structural, functional, and spatial information, amino acid conservation, physicochemical variation, residue mobility, and thermodynamic stability) indicates that this missense variant is not expected to disrupt BRCA1 protein function with a negative predictive value of 80%. In summary, the available evidence is currently insufficient to determine the role of this variant in disease. Therefore, it has been classified as a Variant of Uncertain Significance.

All of Us Research Program, National Institutes of Health
Classification: Uncertain significance for BRCA1-related cancer predisposition. Last evaluated: 2024-08-23. Review status: criteria provided, single submitter. Criteria: ACMG Guidelines, 2015. Collection method: clinical testing. Allele origin: germline. Inheritance: Autosomal dominant inheritance. Observed: 1 variant allele, 1 heterozygote.
Comment: This missense variant replaces serine with proline at codon 267 of the BRCA1 protein. Computational prediction is inconclusive regarding the impact of this variant on protein structure and function (internally defined REVEL score threshold 0.5 < inconclusive < 0.7, PMID: 27666373). To our knowledge, functional studies have not been reported for this variant. This variant has not been reported in individuals affected with hereditary cancer in the literature. This variant has been identified in 2/250012 chromosomes in the general population by the Genome Aggregation Database (gnomAD). The available evidence is insufficient to determine the role of this variant in disease conclusively. Therefore, this variant is classified as a Variant of Uncertain Significance.

This study involves interpretation of variants in research participants for the purpose of population health screening. Participant phenotype was not available at the time of variant classification. Additional details can be found in publication PMID: 35346344, PMCID: PMC8962531

Color Diagnostics, LLC DBA Color Health
Classification: Uncertain significance for Hereditary cancer-predisposing syndrome. Last evaluated: 2024-08-07. Review status: criteria provided, single submitter. Criteria: ACMG Guidelines, 2015. Collection method: clinical testing. Allele origin: germline.
Comment: This missense variant replaces serine with proline at codon 267 of the BRCA1 protein. Computational prediction is inconclusive regarding the impact of this variant on protein structure and function. To our knowledge, functional studies have not been reported for this variant. This variant has not been reported in individuals affected with hereditary cancer in the literature. This variant has been identified in 2/250012 chromosomes in the general population by the Genome Aggregation Database (gnomAD). The available evidence is insufficient to determine the role of this variant in disease conclusively. Therefore, this variant is classified as a Variant of Uncertain Significance.

Ambry Genetics
Classification: Uncertain significance for Hereditary cancer-predisposing syndrome. Last evaluated: 2024-01-09. Review status: criteria provided, single submitter. Criteria: Ambry Variant Classification Scheme 2023. Collection method: clinical testing. Allele origin: germline.
Comment: The p.S267P variant (also known as c.799T>C), located in coding exon 9 of the BRCA1 gene, results from a T to C substitution at nucleotide position 799. The serine at codon 267 is replaced by proline, an amino acid with similar properties. This amino acid position is well conserved in available vertebrate species. In addition, the in silico prediction for this alteration is inconclusive. Since supporting evidence is limited at this time, the clinical significance of this alteration remains unclear.

Myriad Genetics, Inc.
Classification: Benign for Breast-ovarian cancer, familial, susceptibility to, 1. Last evaluated: 2023-12-06. Review status: criteria provided, single submitter. Criteria: Myriad Autosomal Dominant, Autosomal Recessive and X-Linked Classification Criteria (2023). Collection method: clinical testing. Allele origin: unknown.
Comment: This variant is considered benign. This variant has been observed in conjunction with multiple pathogenic variants, reducing the likelihood this variant itself is pathogenic. This variant is strongly associated with less severe personal and family histories of cancer, typical for individuals without pathogenic variants in this gene [PMID: 25085752].

University of Washington Department of Laboratory Medicine, University of Washington
Classification: Likely benign for Hereditary cancer-predisposing syndrome. Last evaluated: 2023-03-23. Review status: criteria provided, single submitter. Criteria: Dines et al. (Genet Med. 2020). Collection method: curation. Allele origin: germline.
Comment: Missense variant in a coldspot region where missense variants are very unlikely to be pathogenic (PMID:31911673).

BRCA1 coldspot (exon 11 using historical exon numbering). Reclassification based on statistical prior probability

Sema4
Classification: Uncertain significance for Hereditary cancer-predisposing syndrome. Last evaluated: 2021-10-19. Review status: criteria provided, single submitter. Criteria: Sema4 Curation Guidelines. Collection method: curation. Allele origin: germline.
Comment: The BRCA1 c.799T>C (p.S267P) variant has not been reported in the literature to our knowledge. It was observed in 2/30406 chromosomes of the South Asian subpopulation in the large and broad cohorts of the Genome Aggregation Database (PMID: 32461654). The variant has been reported in ClinVar (Variation ID 141103). Functional studies have not been performed, and in silico predictions of the variant's effect on protein function are inconclusive. The evidence is insufficient to meet ACMG/AMP criteria for classifying the variant as benign or pathogenic. Thus, the clinical significance of this variant is currently uncertain.

Literature cited by the submitters: PubMed 25085752 (cited by Myriad Genetics, Inc.).